The following is an entry in ClinVar:

ClinVar aggregate classification (germline): Uncertain significance (1 of 4 stars; one submission).

Allele frequency attached by ClinVar (database versions not stated): ExAC 0.00001; gnomAD exomes 0.00001.
gnomAD v4.1: 3 of 1,592,382 alleles (0.00019%); highest among the groups gnomAD compares: Admixed American, 0.0036%; no homozygotes.

Submission:

Labcorp Genetics (formerly Invitae), Labcorp
Classification: Uncertain significance. Last evaluated: 2022-05-30. Review status: criteria provided, single submitter. Criteria: Invitae Variant Classification Sherloc (09022015). Collection method: clinical testing. Allele origin: germline.
Comment: This sequence change falls in intron 27 of the ANK3 gene. It does not directly change the encoded amino acid sequence of the ANK3 protein. This variant is present in population databases (rs753195969, gnomAD 0.007%). This variant has not been reported in the literature in individuals affected with ANK3-related conditions. Algorithms developed to predict the effect of sequence changes on RNA splicing suggest that this variant may create or strengthen a splice site. In summary, the available evidence is currently insufficient to determine the role of this variant in disease. Therefore, it has been classified as a Variant of Uncertain Significance.

NM_020987.5(ANK3):c.3174-15G>A

Gene: ANK3 (ankyrin 3; minus strand). Cytogenetic location: 10q21.2.
Variant type: single nucleotide variant.
Coding change: c.3174-15G>A on transcript NM_020987.5 (MANE Select); 15 bases into the intron before coding-DNA position 3174, G replaced by A.
Molecular consequence: intron variant.
Genome position (GRCh38, 1-based): chr10:60,106,074, C>T on the plus strand (G>A on the coding strand, the complement: ANK3 is on the minus strand). VCF-style: chr10-60106074-C-T. GRCh37 (hg19) VCF-style: chr10-61865832-C-T.
Other names: c.3156-15G>A (NM_001204403.2); c.3177-15G>A (NM_001204404.2); c.3174-15G>A (NM_001320874.2); c.576-15G>A (NM_001149.4).
Identifiers: ClinVar variation 2080303 (VCV002080303.4), dbSNP rs753195969, ClinGen allele CA5512538.